The following is an entry in ClinVar:

GRCh37/hg19 8q24.3(chr8:145033244-146297937)x3

Genes: HGH1 (HGH1 homolog; plus strand), MIR1234 (microRNA 1234; minus strand), MROH1 (maestro heat like repeat family member 1; plus strand), LRRC14 (leucine rich repeat containing 14; plus strand), MFSD3 (major facilitator superfamily domain containing 3; plus strand) and 41 more. Cytogenetic location: 8q24.3.
Variant type: copy number gain.
Change: copy number 3 (three copies instead of two) of chr8:145,033,244-146,297,937 (1.26 Mb, GRCh37 coordinates, 1-based), cytogenetic band 8q24.3.
Identifiers: ClinVar variation 988937 (VCV000988937.4).

ClinVar aggregate classification (germline): Uncertain significance (1 of 4 stars; one submission).

Submission:

Illumina Laboratory Services, Illumina
Classification: Uncertain significance. Last evaluated: 2020-10-28. Review status: criteria provided, single submitter. Criteria: ICSL CNVClassificationCriteria Aug2020. Collection method: clinical testing. Allele origin: unknown.
Comment: This CNV is a 1.3 Mb duplication of 8q24.3 on chromosome 8, (seq[GRCh37]dup(8)(q24.3); chr8:g.145033244_146297937dup). This CNV constitutes a terminal gain encompassing at least 48 protein coding genes. The centromeric breakpoint lies within an intron of the PLEC gene. Similar but smaller duplications that overlap this duplication have been reported in several unrelated patients. Two such duplications are listed in the DECIPHER database, one having occurred de novo in a patient with decreased fetal movement, delayed speech and language development, failure to thrive, generalized hypotonia, global developmental delay, inguinal hernia, and metabolic acidosis, and another of unknown inheritance in a patient with behavioral abnormality and cognitive impairment (Firth et al. 2009). The ClinVar database lists at least seven patients with similar but smaller duplications of unknown inheritance, some of who were indicated to have developmental delay and behavior problems and some whose phenotype was not provided (Landrum et al. 2016). Two additional patients with similar but smaller duplications with unknown inheritance are from a case cohort with developmental delay (Coe et al. 2014). Similar duplications have not been reported in controls but some duplications that represent a small fraction of this duplication have been reported in the Database of Genomic Variants (DGV) of healthy individuals (MacDonald et al. 2013). Based on the limited evidence currently available, this CNV is classified as a variant of uncertain significance.

Literature cited by the submitters: PubMed 19344873; PubMed 25217958; PubMed 26582918; PubMed 24174537.